The following is an entry in ClinVar:

ClinVar aggregate classification (germline): Uncertain significance (1 of 4 stars; one submission).

Submission:

GeneDx
Classification: Uncertain significance. Last evaluated: 2025-09-23. Review status: criteria provided, single submitter. Criteria: GeneDx Variant Classification Process June 2021. Collection method: clinical testing. Allele origin: germline. Affected: yes.
Comment: Has not been previously published as pathogenic or benign to our knowledge; In silico analysis suggests this variant may impact gene splicing. In the absence of RNA/functional studies, the actual effect of this sequence change is unknown.

NM_017672.6(TRPM7):c.4592_4592+6dup

Gene: TRPM7 (transient receptor potential cation channel subfamily M member 7; minus strand). Cytogenetic location: 15q21.2.
Variant type: Duplication.
Coding change: c.4592_4592+6dup on transcript NM_017672.6 (MANE Select); coding-DNA position 4592 through 6 bases into the intron after coding-DNA position 4592, 7 bases duplicated (TGTAAGT; older notation c.4592_4592+6dupTGTAAGT).
Molecular consequence: splice donor variant.
Genome position (GRCh38, 1-based): chr15:50,580,868-50,580,874, ACTTACA duplicated on the plus strand (TGTAAGT on the coding strand, the reverse complement: TRPM7 is on the minus strand). VCF-style (leftmost placement, unchanged base first): chr15-50580867-T-TACTTACA. GRCh37 (hg19) VCF-style: chr15-50873064-T-TACTTACA.
Other names: c.4589_4589+6dup (NM_001301212.2).
Identifiers: ClinVar variation 4813915 (VCV004813915.1).